The following is an entry in ClinVar:

ClinVar aggregate classification (germline): Uncertain significance (1 of 4 stars; one submission).

Submission:

Labcorp Genetics (formerly Invitae), Labcorp
Classification: Uncertain significance. Last evaluated: 2025-09-30. Review status: criteria provided, single submitter. Criteria: Invitae Variant Classification Sherloc (09022015). Collection method: clinical testing. Allele origin: germline.
Comment: This variant, c.219_221del, results in the deletion of 1 amino acid(s) of the ABL1 protein (p.Leu74del), but otherwise preserves the integrity of the reading frame. This variant is not present in population databases (gnomAD no frequency). This variant has not been reported in the literature in individuals affected with ABL1-related conditions. Experimental studies and prediction algorithms are not available or were not evaluated, and the functional significance of this variant is currently unknown. In summary, the available evidence is currently insufficient to determine the role of this variant in disease. Therefore, it has been classified as a Variant of Uncertain Significance.

NM_005157.6(ABL1):c.162_164del (p.Leu55del)

Gene: ABL1 (ABL proto-oncogene 1, non-receptor tyrosine kinase; plus strand). Cytogenetic location: 9q34.12.
Variant type: Deletion.
Coding change: c.162_164del on transcript NM_005157.6 (MANE Select); coding-DNA positions 162 to 164, 3 bases deleted (TCT; older notation c.162_164delTCT).
Protein change: p.Leu55del; deletes leucine 55.
Molecular consequence: inframe deletion.
Genome position (GRCh38, 1-based): chr9:130,854,146-130,854,148, TCT deleted; deleting any 3 consecutive bases within chr9:130,854,144-130,854,148 gives the same sequence; the c. name uses the placement nearest the transcript's 3' end. VCF-style (leftmost placement, unchanged base first): chr9-130854143-CCTT-C. GRCh37 (hg19) VCF-style: chr9-133729530-CCTT-C.
Other names: c.219_221del, p.Leu74del (NM_007313.3); short protein forms L55del, L74del.
Identifiers: ClinVar variation 4728196 (VCV004728196.1).